The following is an entry in ClinVar:

ClinVar aggregate classification (germline): Uncertain significance. Review status: criteria provided, multiple submitters, no conflicts (2 of 4 stars). 2 submissions from 2 submitters: Uncertain significance (2). Last evaluated 2023-09-22.

Conditions:
Cerebral arteriopathy, autosomal dominant, with subcortical infarcts and leukoencephalopathy, type 1 (CADASIL1). Also called: CADASIL 1; CASIL; Cerebral arteriopathy with subcortical infarcts and leukoencephalopathy 1; DEMENTIA, HEREDITARY MULTIINFARCT TYPE. Identifiers: Orphanet 136, MedGen C4551768, MONDO:0000914, OMIM 125310.
Inborn genetic diseases. Identifiers: MedGen C0950123, MeSH D030342.

Allele frequency attached by ClinVar (database versions not stated): gnomAD 0.00003; gnomAD exomes 0.00003; ExAC 0.00016; TOPMed below 0.00001.
gnomAD v4.1: 51 of 1,551,944 alleles (0.0033%); highest among the groups gnomAD compares: South Asian, 0.059%; no homozygotes.

Submissions (2):

Ambry Genetics
Classification: Uncertain significance for Inborn genetic diseases. Last evaluated: 2023-09-22. Review status: criteria provided, single submitter. Criteria: Ambry Variant Classification Scheme 2023. Collection method: clinical testing. Allele origin: germline.

Victorian Clinical Genetics Services, Murdoch Childrens Research Institute
Classification: Uncertain significance for Cerebral arteriopathy, autosomal dominant, with subcortical infarcts and leukoencephalopathy, type 1. Last evaluated: 2022-02-02. Review status: criteria provided, single submitter. Criteria: ACMG Guidelines, 2015. Collection method: clinical testing. Allele origin: germline. Inheritance: Autosomal dominant inheritance. Affected: yes.
Comment: Based on the classification scheme VCGS_Germline_v1.3.4, this variant is classified as VUS-3B. Following criteria are met: 0101 - Gain of function is a known mechanism of disease in this gene and is associated with lateral meningocele syndrome (MIM#130720) (PMID: 25914166). Loss of function is the suggested mechanism for cerebral autosomal dominant arteriopathy with subcortical infarcts and leukoencephalopathy 1 (CADASIL; MIM#125310) (PMID: 14714274, 24844136). (I) 0107 - This gene is associated with autosomal dominant disease. (I) 0112 - The condition associated with this gene has incomplete penetrance. Pathogenic variants in the EGF domains 7-34 have much higher population frequency and therefore may be non-penetrant (GeneReviews). (I) 0115 - Variants in this gene are known to have variable expressivity. There is variability in disease severity for classic CADASIL (GeneReviews). (I) 0200 - Variant is predicted to result in a missense amino acid change from phenylalanine to tyrosine. (I) 0251 - This variant is heterozygous. (I) 0302 - Variant is present in gnomAD <0.001 for a dominant condition (v2: 11 heterozygotes, 0 homozygotes). (SP) 0502 - Missense variant with conflicting in silico predictions and uninformative conservation. (I) 0600 - Variant is located in the annotated EGF-like domain 23 (Uniport). (I) 0705 - No comparable missense variants have previous evidence for pathogenicity. (I) 0807 - This variant has no previous evidence of pathogenicity. (I) 0905 - No published segregation evidence has been identified for this variant. (I) 1007 - No published functional evidence has been identified for this variant. (I) 1102 - Strong phenotype match for this individual. (SP) 1208 - Inheritance information for this variant is not currently available in this individual. (I) Legend: (SP) - Supporting pathogenic, (I) - Information, (SB) - Supporting benign

Literature cited by the submitters: PubMed 14714274 (cited by Victorian Clinical Genetics Services, Murdoch Childrens Research Institute); PubMed 24844136 (cited by Victorian Clinical Genetics Services, Murdoch Childrens Research Institute); PubMed 25914166 (cited by Victorian Clinical Genetics Services, Murdoch Childrens Research Institute).

NM_000435.3(NOTCH3):c.2723T>A (p.Phe908Tyr)

Gene: NOTCH3 (notch receptor 3; minus strand). Cytogenetic location: 19p13.12.
Variant type: single nucleotide variant.
Coding change: c.2723T>A on transcript NM_000435.3 (MANE Select); coding-DNA position 2723, T replaced by A.
Protein change: p.Phe908Tyr; replaces phenylalanine 908 with tyrosine.
Molecular consequence: missense variant.
Genome position (GRCh38, 1-based): chr19:15,181,645, A>T on the plus strand (T>A on the coding strand, the complement: NOTCH3 is on the minus strand). VCF-style: chr19-15181645-A-T. GRCh37 (hg19) VCF-style: chr19-15292456-A-T.
Other names: short protein forms F908Y.
Identifiers: ClinVar variation 1805226 (VCV001805226.2), dbSNP rs753893262, ClinGen allele CA9263299.
Genomic context (GRCh38, chr19:15,181,645, plus strand): 5'-CAGTCGGGCAGGTCCTGTTCGCAGTGGAAGCCTCCGTAGCCTGGCGGGCAGGTGCAGGTG[A>T]AGGAGGCCACGTGGTCGGTACAGGTGCCCGGGCCGCAGGGGTTGCTCAGGCACTCATCCA-3'
Protein context (NP_000426.2, residues 898-918): PGTCTDHVAS[Phe908Tyr]TCTCPPGYGG